The following is an entry in ClinVar:

ClinVar aggregate classification (germline): Uncertain significance (1 of 4 stars; one submission).

Allele frequency attached by ClinVar (database versions not stated): ExAC 0.00001.

Submission:

Labcorp Genetics (formerly Invitae), Labcorp
Classification: Uncertain significance. Last evaluated: 2023-05-16. Review status: criteria provided, single submitter. Criteria: Invitae Variant Classification Sherloc (09022015). Collection method: clinical testing. Allele origin: germline.
Comment: The frequency data for this variant in the population databases is considered unreliable, as metrics indicate poor data quality at this position in the gnomAD database. This sequence change replaces leucine, which is neutral and non-polar, with arginine, which is basic and polar, at codon 13 of the POGLUT1 protein (p.Leu13Arg). This variant has not been reported in the literature in individuals affected with POGLUT1-related conditions. In summary, the available evidence is currently insufficient to determine the role of this variant in disease. Therefore, it has been classified as a Variant of Uncertain Significance. An algorithm developed to predict the effect of missense changes on protein structure and function (PolyPhen-2) suggests that this variant is likely to be tolerated.

NM_152305.3(POGLUT1):c.38T>G (p.Leu13Arg)

Gene: POGLUT1 (protein O-glucosyltransferase 1; plus strand). Cytogenetic location: 3q13.33.
Variant type: single nucleotide variant.
Coding change: c.38T>G on transcript NM_152305.3 (MANE Select); coding-DNA position 38, T replaced by G.
Protein change: p.Leu13Arg; replaces leucine 13 with arginine.
Molecular consequence: missense variant. On other transcripts: non-coding transcript variant (1).
Genome position (GRCh38, 1-based): chr3:119,469,059, T>G. VCF-style: chr3-119469059-T-G. GRCh37 (hg19) VCF-style: chr3-119187906-T-G.
Other names: c.38T>G, p.Leu13Arg (NM_020231.3); short protein forms L13R.
Identifiers: ClinVar variation 2864939 (VCV002864939.3), dbSNP rs759575578, ClinGen allele CA2554706.